The following is an entry in ClinVar:

ClinVar aggregate classification (germline): Uncertain significance (1 of 4 stars; one submission).

Conditions:
Charcot-Marie-Tooth disease type 2. Also called: Charcot-Marie-Tooth type 2. Identifiers: Orphanet 64746, MedGen C0270914, MONDO:0018993.

gnomAD v4.1: 4 of 1,613,962 alleles (0.00025%); highest among the groups gnomAD compares: South Asian, 0.0022%; no homozygotes.

Submission:

Labcorp Genetics (formerly Invitae), Labcorp
Classification: Uncertain significance for Charcot-Marie-Tooth disease type 2. Last evaluated: 2024-04-22. Review status: criteria provided, single submitter. Criteria: Invitae Variant Classification Sherloc (09022015). Collection method: clinical testing. Allele origin: germline.
Comment: This sequence change replaces glycine, which is neutral and non-polar, with cysteine, which is neutral and slightly polar, at codon 261 of the BSCL2 protein (p.Gly261Cys). This variant is present in population databases (rs760106114, gnomAD 0.003%). This missense change has been observed in individual(s) with autosomal dominant BSCL2-related conditions (Invitae). ClinVar contains an entry for this variant (Variation ID: 1430833). Advanced modeling of protein sequence and biophysical properties (such as structural, functional, and spatial information, amino acid conservation, physicochemical variation, residue mobility, and thermodynamic stability) performed at Invitae indicates that this missense variant is not expected to disrupt BSCL2 protein function with a negative predictive value of 80%. In summary, the available evidence is currently insufficient to determine the role of this variant in disease. Therefore, it has been classified as a Variant of Uncertain Significance.

NM_001122955.4(BSCL2):c.973G>T (p.Gly325Cys)

Genes: BSCL2 (BSCL2 lipid droplet biogenesis associated, seipin; minus strand), HNRNPUL2-BSCL2 (HNRNPUL2-BSCL2 readthrough (NMD candidate); minus strand). Cytogenetic location: 11q12.3.
Variant type: single nucleotide variant.
Coding change: c.973G>T on transcript NM_001122955.4 (MANE Select); coding-DNA position 973, G replaced by T.
Protein change: p.Gly325Cys; replaces glycine 325 with cysteine.
Molecular consequence: missense variant. On other transcripts: non-coding transcript variant (1), intron variant (1).
Genome position (GRCh38, 1-based): chr11:62,691,312, C>A on the plus strand (G>T on the coding strand, the complement: BSCL2 is on the minus strand). VCF-style: chr11-62691312-C-A. GRCh37 (hg19) VCF-style: chr11-62458784-C-A.
Other names: c.973G>T, p.Gly325Cys (NM_001386027.1, NM_001386028.1); c.781G>T, p.Gly261Cys (NM_032667.6); c.672-171G>T (NM_001130702.2); short protein forms G261C, G325C.
Identifiers: ClinVar variation 1430833 (VCV001430833.6), dbSNP rs760106114, ClinGen allele CA6053395.